The following is an entry in ClinVar:

NM_201384.3(PLEC):c.9667G>C (p.Glu3223Gln)

Gene: PLEC (plectin; minus strand). Cytogenetic location: 8q24.3.
Variant type: single nucleotide variant.
Coding change: c.9667G>C on transcript NM_201384.3 (MANE Select); coding-DNA position 9667, G replaced by C.
Protein change: p.Glu3223Gln; replaces glutamic acid 3223 with glutamine.
Molecular consequence: missense variant.
Genome position (GRCh38, 1-based): chr8:143,920,154, C>G on the plus strand (G>C on the coding strand, the complement: PLEC is on the minus strand). VCF-style: chr8-143920154-C-G. GRCh37 (hg19) VCF-style: chr8-144994322-C-G.
Other names: c.9748G>C, p.Glu3250Gln (NM_000445.5); c.9625G>C, p.Glu3209Gln (NM_201378.4); c.9601G>C, p.Glu3201Gln (NM_201379.3); c.10078G>C, p.Glu3360Gln (NM_201380.4); c.9571G>C, p.Glu3191Gln (NM_201381.3); c.9667G>C, p.Glu3223Gln (NM_201382.4); c.9679G>C, p.Glu3227Gln (NM_201383.3); short protein forms E3250Q, E3191Q, E3201Q, E3209Q, E3223Q, E3360Q, E3227Q.
Identifiers: ClinVar variation 282854 (VCV000282854.13), dbSNP rs886044801, ClinGen allele CA10604320.

ClinVar aggregate classification (germline): Uncertain significance. Review status: criteria provided, multiple submitters, no conflicts (2 of 4 stars). 3 submissions from 3 submitters: Uncertain significance (3). Last evaluated 2021-08-19.

Conditions:
Epidermolysis bullosa simplex with nail dystrophy (EBS5D). Identifiers: MedGen C4225309, MONDO:0014661, OMIM 616487.
Epidermolysis bullosa simplex 5C, with pyloric atresia (EBS5C). Also called: PLEC-Related Epidermolysis Bullosa with Pyloric Atresia; Epidermolysis bullosa simplex with pyloric atresia; PLEC1-Related Epidermolysis Bullosa with Pyloric Atresia. Identifiers: Orphanet 158684, MedGen C2677349, MONDO:0012807, OMIM 612138.
Autosomal recessive limb-girdle muscular dystrophy type 2Q (LGMDR17). Also called: MUSCULAR DYSTROPHY, LIMB-GIRDLE, AUTOSOMAL RECESSIVE 17. Identifiers: Orphanet 254361, MedGen C3150989, MONDO:0013390, OMIM 613723.
Epidermolysis bullosa simplex 5B, with muscular dystrophy (EBS5B). Also called: EPIDERMOLYSIS BULLOSA SIMPLEX AND LIMB-GIRDLE MUSCULAR DYSTROPHY; Epidermolysis bullosa simplex with muscular dystrophy. Identifiers: Orphanet 257, MedGen C2931072, MONDO:0009181, OMIM 226670.
Epidermolysis bullosa simplex, Ogna type (EBS5A). Also called: Pidermolysis bullosa simplex 5A, Ogna type; EPIDERMOLYSIS BULLOSA SIMPLEX 5A, OGNA TYPE. Identifiers: Orphanet 79401, MedGen C0432317, MONDO:0007555, OMIM 131950.

Allele frequency attached by ClinVar (database versions not stated): gnomAD exomes below 0.00001.
gnomAD v4.1: 1 of 1,612,700 alleles (0.000062%); highest among the groups gnomAD compares: Admixed American, 0.0017%; no homozygotes.

Submissions (3):

Labcorp Genetics (formerly Invitae), Labcorp
Classification: Uncertain significance for Autosomal recessive limb-girdle muscular dystrophy type 2Q; Epidermolysis bullosa simplex, Ogna type; Epidermolysis bullosa simplex with nail dystrophy; Epidermolysis bullosa simplex 5C, with pyloric atresia; Epidermolysis bullosa simplex 5B, with muscular dystrophy. Last evaluated: 2021-08-19. Review status: criteria provided, single submitter. Criteria: Invitae Variant Classification Sherloc (09022015). Collection method: clinical testing. Allele origin: germline.
Comment: In summary, the available evidence is currently insufficient to determine the role of this variant in disease. Therefore, it has been classified as a Variant of Uncertain Significance. This sequence change replaces glutamic acid with glutamine at codon 3250 of the PLEC protein (p.Glu3250Gln). The glutamic acid residue is moderately conserved and there is a small physicochemical difference between glutamic acid and glutamine. This variant is not present in population databases (ExAC no frequency). This variant has not been reported in the literature in individuals affected with PLEC-related conditions. ClinVar contains an entry for this variant (Variation ID: 282854). Algorithms developed to predict the effect of missense changes on protein structure and function (SIFT, PolyPhen-2, Align-GVGD) all suggest that this variant is likely to be tolerated.

Revvity Omics, Revvity
Classification: Uncertain significance. Last evaluated: 2021-07-02. Review status: criteria provided, single submitter. Criteria: ACMG Guidelines, 2015. Collection method: clinical testing. Allele origin: germline.

Eurofins Ntd Llc (ga)
Classification: Uncertain significance. Last evaluated: 2015-08-20. Review status: criteria provided, single submitter. Criteria: EGL Classification Definitions 2015. Collection method: clinical testing. Allele origin: germline. Observed: 1 variant allele, 1 heterozygote.